The following is an entry in ClinVar:

NM_021224.6(ZNF462):c.5206A>G (p.Ile1736Val)

Gene: ZNF462 (zinc finger protein 462; plus strand). Cytogenetic location: 9q31.2.
Variant type: single nucleotide variant.
Coding change: c.5206A>G on transcript NM_021224.6 (MANE Select); coding-DNA position 5206, A replaced by G.
Protein change: p.Ile1736Val; replaces isoleucine 1736 with valine.
Molecular consequence: missense variant. On other transcripts: intron variant (1).
Genome position (GRCh38, 1-based): chr9:106,929,118, A>G. VCF-style: chr9-106929118-A-G. GRCh37 (hg19) VCF-style: chr9-109691399-A-G.
Other names: c.3253-1407A>G (NM_001347997.2); short protein forms I1736V.
Identifiers: ClinVar variation 1695259 (VCV001695259.32), dbSNP rs192125496, ClinGen allele CA5171961.
Genomic context (GRCh38, chr9:106,929,118, plus strand): 5'-TACCAGAAGCGCCACGACATTGATGCGTATTACACTCACTGCTTGGCAGCCTCCAGGACC[A>G]TCAGCGACAAGCCCAACAAAGTGATCATCCCATCCCCGCCCAAGGACGACTCCCCTCAGC-3'
Protein context (NP_067047.4, residues 1726-1746): YTHCLAASRT[Ile1736Val]SDKPNKVIIP

ClinVar aggregate classification (germline): Benign/Likely benign. Review status: criteria provided, multiple submitters, no conflicts (2 of 4 stars). 2 submissions from 2 submitters: Benign (1); Likely benign (1). Last evaluated 2022-06-01.

Conditions:
Weiss-Kruszka syndrome. Also called: Metopic ridging-ptosis-facial dysmorphism syndrome. Identifiers: Orphanet 502430, MedGen C5568107, MONDO:0032836, OMIM 618619.

Allele frequency attached by ClinVar (database versions not stated): gnomAD exomes 0.00011 and 0.00058; gnomAD 0.00016 and 0.00020; TOPMed 0.00029; ExAC 0.00051; 1000 Genomes Project 30x 0.00078; 1000 Genomes Project 0.00100.
gnomAD v4.1: 200 of 1,614,160 alleles (0.012%); highest among the groups gnomAD compares: East Asian, 0.4%; no homozygotes.

Submissions (2):

CeGaT Center for Human Genetics Tuebingen
Classification: Benign. Last evaluated: 2022-06-01. Review status: criteria provided, single submitter. Criteria: CeGaT Center For Human Genetics Tuebingen Variant Classification Criteria Version 2. Collection method: clinical testing. Allele origin: germline. Affected: yes. Observed: 1 variant allele.
Comment: ZNF462: BS1, BS2

Fulgent Genetics
Classification: Likely benign for Weiss-Kruszka syndrome. Last evaluated: 2022-02-25. Review status: criteria provided, single submitter. Criteria: ACMG Guidelines, 2015. Collection method: clinical testing. Allele origin: unknown.